The following is an entry in ClinVar:

NM_000520.6(HEXA):c.1142T>A (p.Val381Glu)

Gene: HEXA (hexosaminidase subunit alpha; minus strand). Cytogenetic location: 15q23.
Variant type: single nucleotide variant.
Coding change: c.1142T>A on transcript NM_000520.6 (MANE Select); coding-DNA position 1142, T replaced by A.
Protein change: p.Val381Glu; replaces valine 381 with glutamic acid.
Molecular consequence: missense variant.
Genome position (GRCh38, 1-based): chr15:72,347,690, A>T on the plus strand (T>A on the coding strand, the complement: HEXA is on the minus strand). VCF-style: chr15-72347690-A-T. GRCh37 (hg19) VCF-style: chr15-72640031-A-T.
Other names: c.1175T>A, p.Val392Glu (NM_001318825.2); short protein forms V381E, V392E.
Identifiers: ClinVar variation 2168910 (VCV002168910.1), dbSNP rs746272701, ClinGen allele CA7644788.

ClinVar aggregate classification (germline): Uncertain significance (1 of 4 stars; one submission).

Conditions:
Tay-Sachs disease (TSD). Also called: GM2 gangliosidosis, type 1; Hexosaminidase alpha-subunit deficiency (variant B); Sphingolipidosis, Tay-Sachs; Hexosaminidase A Deficiency; HEXA DEFICIENCY; HEXA Disorders. Identifiers: Orphanet 845, MedGen C0039373, MONDO:0010100, OMIM 272800.

Allele frequency attached by ClinVar (database versions not stated): ExAC 0.00001; gnomAD exomes 0.00001.
gnomAD v4.1: 11 of 1,613,968 alleles (0.00068%); highest among the groups gnomAD compares: Non-Finnish European, 0.00076%; no homozygotes.

Submission:

Labcorp Genetics (formerly Invitae), Labcorp
Classification: Uncertain significance for Tay-Sachs disease. Last evaluated: 2018-04-12. Review status: criteria provided, single submitter. Criteria: Invitae Variant Classification Sherloc (09022015). Collection method: clinical testing. Allele origin: germline.
Comment: This sequence change replaces valine with glutamic acid at codon 381 of the HEXA protein (p.Val381Glu). The valine residue is moderately conserved and there is a moderate physicochemical difference between valine and glutamic acid. This variant is present in population databases (rs746272701, ExAC 0.002%). This variant has not been reported in the literature in individuals with HEXA-related disease. Algorithms developed to predict the effect of missense changes on protein structure and function do not agree on the potential impact of this missense change (SIFT: "Tolerated"; PolyPhen-2: "Possibly Damaging"; Align-GVGD: "Class C0"). In summary, the available evidence is currently insufficient to determine the role of this variant in disease. Therefore, it has been classified as a Variant of Uncertain Significance.